The following is an entry in ClinVar:

ClinVar aggregate classification (germline): Uncertain significance (1 of 4 stars; one submission).

Allele frequency attached by ClinVar (database versions not stated): gnomAD exomes below 0.00001.
gnomAD v4.1: 1 of 1,546,234 alleles (0.000065%); highest among the groups gnomAD compares: Non-Finnish European, 0.000086%; no homozygotes.

Submission:

Labcorp Genetics (formerly Invitae), Labcorp
Classification: Uncertain significance. Last evaluated: 2022-08-10. Review status: criteria provided, single submitter. Criteria: Invitae Variant Classification Sherloc (09022015). Collection method: clinical testing. Allele origin: germline.
Comment: This sequence change replaces serine, which is neutral and polar, with glycine, which is neutral and non-polar, at codon 24 of the PDE8B protein (p.Ser24Gly). This variant is not present in population databases (gnomAD no frequency). This variant has not been reported in the literature in individuals affected with PDE8B-related conditions. Algorithms developed to predict the effect of missense changes on protein structure and function (SIFT, PolyPhen-2, Align-GVGD) all suggest that this variant is likely to be tolerated. In summary, the available evidence is currently insufficient to determine the role of this variant in disease. Therefore, it has been classified as a Variant of Uncertain Significance.

NM_003719.5(PDE8B):c.70A>G (p.Ser24Gly)

Gene: PDE8B (phosphodiesterase 8B; plus strand). Cytogenetic location: 5q13.3.
Variant type: single nucleotide variant.
Coding change: c.70A>G on transcript NM_003719.5 (MANE Select); coding-DNA position 70, A replaced by G.
Protein change: p.Ser24Gly; replaces serine 24 with glycine.
Molecular consequence: missense variant. On other transcripts: 5 prime UTR variant (1), intron variant (13).
Genome position (GRCh38, 1-based): chr5:77,210,995, A>G. VCF-style: chr5-77210995-A-G. GRCh37 (hg19) VCF-style: chr5-76506820-A-G.
Other names: c.70A>G, p.Ser24Gly (NM_001029851.4, NM_001029852.4, NM_001029853.4 and 7 more transcripts); c.-300A>G (NM_001349753.2); c.36+30509A>G (NM_001349750.3, NM_001376069.1, NM_001376062.1 and 7 more transcripts); c.-34+949A>G (NM_001376067.1, NM_001376075.1); c.-31+949A>G (NM_001376068.1); short protein forms S24G.
Identifiers: ClinVar variation 2088030 (VCV002088030.4), dbSNP rs2531980158, ClinGen allele CA360326480.